The following is an entry in ClinVar:

ClinVar aggregate classification (germline): Uncertain significance (1 of 4 stars; one submission).

Conditions:
Inborn genetic diseases. Identifiers: MedGen C0950123, MeSH D030342.

Submission:

Ambry Genetics
Classification: Uncertain significance for Inborn genetic diseases. Last evaluated: 2025-05-21. Review status: criteria provided, single submitter. Criteria: Ambry Variant Classification Scheme 2023. Collection method: clinical testing. Allele origin: germline.
Comment: The p.R50H variant (also known as c.149G>A), located in coding exon 2 of the ELANE gene, results from a G to A substitution at nucleotide position 149. The arginine at codon 50 is replaced by histidine, an amino acid with highly similar properties. This amino acid position is conserved. In addition, the in silico prediction for this alteration is inconclusive. Based on the available evidence, the clinical significance of this variant remains unclear.

NM_001972.4(ELANE):c.149G>A (p.Arg50His)

Gene: ELANE (elastase, neutrophil expressed; plus strand). Cytogenetic location: 19p13.3.
Variant type: single nucleotide variant.
Coding change: c.149G>A on transcript NM_001972.4 (MANE Select); coding-DNA position 149, G replaced by A.
Protein change: p.Arg50His; replaces arginine 50 with histidine.
Molecular consequence: missense variant.
Genome position (GRCh38, 1-based): chr19:852,957, G>A. VCF-style: chr19-852957-G-A. GRCh37 (hg19) VCF-style: chr19-852957-G-A.
Other names: short protein forms R50H.
Identifiers: ClinVar variation 4017398 (VCV004017398.1).